The following is an entry in ClinVar:

ClinVar aggregate classification (germline): Pathogenic (1 of 4 stars; one submission).

Conditions:
Familial cancer of breast. Also called: BREAST CANCER, FAMILIAL; Hereditary breast cancer; hereditary breast carcinoma. Identifiers: Orphanet 227535, MedGen C0346153, MONDO:0016419, OMIM 114480. Disease mechanism: loss of function.

Submission:

Myriad Genetics, Inc.
Classification: Pathogenic for Familial cancer of breast. Last evaluated: 2024-01-25. Review status: criteria provided, single submitter. Criteria: Myriad Autosomal Dominant, Autosomal Recessive and X-Linked Classification Criteria (2023). Collection method: clinical testing. Allele origin: unknown.
Comment: This variant is considered pathogenic. This variant creates a frameshift predicted to result in premature protein truncation.

NM_000051.4(ATM):c.5015_5018del (p.Gly1672fs)

Gene: ATM (ATM serine/threonine kinase; plus strand). Cytogenetic location: 11q22.3.
Variant type: Deletion.
Coding change: c.5015_5018del on transcript NM_000051.4 (MANE Select); coding-DNA positions 5015 to 5018, 4 bases deleted (GAAG; older notation c.5015_5018delGAAG).
Protein change: p.Gly1672fs; shifts the reading frame from glycine 1672.
Molecular consequence: frameshift variant.
Genome position (GRCh38, 1-based): chr11:108,299,723-108,299,726, GAAG deleted; deleting any 4 consecutive bases within chr11:108,299,722-108,299,726 gives the same sequence; the c. name uses the placement nearest the transcript's 3' end. VCF-style (leftmost placement, unchanged base first): chr11-108299721-TGGAA-T. GRCh37 (hg19) VCF-style: chr11-108170448-TGGAA-T.
Other names: c.5015_5018del, p.Gly1672fs (NM_001351834.2); short protein forms G1672fs.
Identifiers: ClinVar variation 3148413 (VCV003148413.1), dbSNP rs2135888102, ClinGen allele CA2725186261.
Genomic context (GRCh38, chr11:108,299,721, plus strand): 5'-TTATGTATGATCTCTTACCTATGACTCTACTGAAATAGAATTTCTATATGTAGAGGCTGT[TGGAA>T]GCTGCTTGGGAGAAGTGGGTCCTATAGATTTCTCTACCATAGCTATACAACATAGTAAAG-3'